The following is an entry in ClinVar:

ClinVar aggregate classification (germline): Uncertain significance. Review status: criteria provided, multiple submitters, no conflicts (2 of 4 stars). 2 submissions from 2 submitters: Uncertain significance (2). Last evaluated 2026-01-21.

Conditions:
Inborn genetic diseases. Identifiers: MedGen C0950123, MeSH D030342.

Allele frequency attached by ClinVar (database versions not stated): gnomAD 0.00003; TOPMed 0.00005; gnomAD exomes 0.00001; ExAC 0.00003.
gnomAD v4.1: 21 of 1,613,198 alleles (0.0013%); highest among the groups gnomAD compares: Admixed American, 0.0083%; no homozygotes.

Submissions (2):

Ambry Genetics
Classification: Uncertain significance for Inborn genetic diseases. Last evaluated: 2026-01-21. Review status: criteria provided, single submitter. Criteria: Ambry Variant Classification Scheme 2023. Collection method: clinical testing. Allele origin: germline.
Comment: The c.170A>G (p.K57R) alteration is located in exon 1 (coding exon 1) of the NOG gene. This alteration results from a A to G substitution at nucleotide position 170, causing the lysine (K) at amino acid position 57 to be replaced by an arginine (R). Based on data from gnomAD, the G allele has an overall frequency of 0.004% (9/244270) total alleles studied. The highest observed frequency was 0.019% (3/15830) of African alleles. Based on insufficient or conflicting evidence, the clinical significance of this alteration remains unclear.

Labcorp Genetics (formerly Invitae), Labcorp
Classification: Uncertain significance. Last evaluated: 2025-05-14. Review status: criteria provided, single submitter. Criteria: Invitae Variant Classification Sherloc (09022015). Collection method: clinical testing. Allele origin: germline.
Comment: This sequence change replaces lysine, which is basic and polar, with arginine, which is basic and polar, at codon 57 of the NOG protein (p.Lys57Arg). This variant is present in population databases (rs758063548, gnomAD 0.02%). This variant has not been reported in the literature in individuals affected with NOG-related conditions. ClinVar contains an entry for this variant (Variation ID: 2185329). An algorithm developed to predict the effect of missense changes on protein structure and function (PolyPhen-2) suggests that this variant is likely to be tolerated. In summary, the available evidence is currently insufficient to determine the role of this variant in disease. Therefore, it has been classified as a Variant of Uncertain Significance.

NM_005450.6(NOG):c.170A>G (p.Lys57Arg)

Gene: NOG (noggin; plus strand). Cytogenetic location: 17q22.
Variant type: single nucleotide variant.
Coding change: c.170A>G on transcript NM_005450.6 (MANE Select); coding-DNA position 170, A replaced by G.
Protein change: p.Lys57Arg; replaces lysine 57 with arginine.
Molecular consequence: missense variant.
Genome position (GRCh38, 1-based): chr17:56,594,393, A>G. VCF-style: chr17-56594393-A-G. GRCh37 (hg19) VCF-style: chr17-54671754-A-G.
Other names: c.170A>G (NM_005450.4); short protein forms K57R.
Identifiers: ClinVar variation 2185329 (VCV002185329.5), dbSNP rs758063548, ClinGen allele CA8663144.